The following is an entry in ClinVar:

NM_005902.4(SMAD3):c.1143A>G (p.Gly381=)

Gene: SMAD3 (SMAD family member 3; plus strand). Cytogenetic location: 15q22.33.
Variant type: single nucleotide variant.
Coding change: c.1143A>G on transcript NM_005902.4 (MANE Select); coding-DNA position 1143, A replaced by G.
Protein change: p.Gly381=; no amino-acid change (glycine 381 retained).
Molecular consequence: synonymous variant.
Genome position (GRCh38, 1-based): chr15:67,187,498, A>G. VCF-style: chr15-67187498-A-G. GRCh37 (hg19) VCF-style: chr15-67479836-A-G.
Other names: c.828A>G, p.Gly276= (NM_001145102.2); c.1011A>G, p.Gly337= (NM_001145103.2); c.558A>G, p.Gly186= (NM_001145104.2).
Identifiers: ClinVar variation 925577 (VCV000925577.3), dbSNP rs992420866, ClinGen allele CA272396744.
Genomic context (GRCh38, chr15:67,187,498, plus strand): 5'-GGCTGTCTACCAGTTGACCCGAATGTGCACCATCCGCATGAGCTTCGTCAAAGGCTGGGG[A>G]GCGGAGTACAGGTCAGTTATGGGTGCTGCCTACATCAGGGGACCCAACTCCAGGTGACTC-3'
Protein context (NP_005893.1, residues 371-391): TIRMSFVKGW[Gly381=]AEYRRQTVTS

ClinVar aggregate classification (germline): Likely benign. Review status: criteria provided, multiple submitters, no conflicts (2 of 4 stars). 2 submissions from 2 submitters: Likely benign (2). Last evaluated 2023-12-13.

Conditions:
Familial thoracic aortic aneurysm and aortic dissection (TAAD). Also called: Thoracic aortic aneurysms and dissections. Identifiers: Orphanet 91387, MedGen C4707243, MONDO:0019625.
Aneurysm-osteoarthritis syndrome. Also called: LOEYS-DIETZ SYNDROME WITH OSTEOARTHRITIS; SMAD3-Related Loeys-Dietz Syndrome; Loeys-Dietz syndrome, type 1C; ANEURYSMS-OSTEOARTHRITIS SYNDROME. Identifiers: Orphanet 284984, MedGen C3151087, MONDO:0013426, OMIM 613795.

Allele frequency attached by ClinVar (database versions not stated): gnomAD exomes below 0.00001 and 0.00001; TOPMed 0.00001.
gnomAD v4.1: 7 of 1,614,152 alleles (0.00043%); highest among the groups gnomAD compares: Non-Finnish European, 0.00059%; no homozygotes.

Submissions (2):

All of Us Research Program, National Institutes of Health
Classification: Likely benign for Aneurysm-osteoarthritis syndrome. Last evaluated: 2023-12-13. Review status: criteria provided, single submitter. Criteria: ACMG Guidelines, 2015. Collection method: clinical testing. Allele origin: germline. Inheritance: Autosomal dominant inheritance. Observed: 2 variant alleles, 2 heterozygotes.
Comment: This study involves interpretation of variants in research participants for the purpose of population health screening. Participant phenotype was not available at the time of variant classification. Additional details can be found in publication PMID: 35346344, PMCID: PMC8962531

Color Diagnostics, LLC DBA Color Health
Classification: Likely benign for Familial thoracic aortic aneurysm and aortic dissection. Last evaluated: 2018-11-09. Review status: criteria provided, single submitter. Criteria: ACMG Guidelines, 2015. Collection method: clinical testing. Allele origin: germline.